The following is an entry in ClinVar:

ClinVar aggregate classification (germline): Likely pathogenic (1 of 4 stars; one submission).

Conditions:
Autosomal recessive limb-girdle muscular dystrophy type 2J (LGMDR10). Also called: Limb-girdle muscular dystrophy, type 2J; MUSCULAR DYSTROPHY, LIMB-GIRDLE, AUTOSOMAL RECESSIVE 10. Identifiers: Orphanet 140922, MedGen C1837342, MONDO:0012127, OMIM 608807.
Dilated cardiomyopathy 1G (CMD1G). Identifiers: Orphanet 154, MedGen C1858763, MONDO:0011400, OMIM 604145.

Allele frequency attached by ClinVar (database versions not stated): TOPMed below 0.00001; ExAC 0.00001; gnomAD 0.00001; ESP Exome Variant Server 0.00008.
gnomAD v4.1: 1 of 1,593,120 alleles (0.000063%); highest among the groups gnomAD compares: Non-Finnish European, 0.000085%; no homozygotes.

Submission:

Labcorp Genetics (formerly Invitae), Labcorp
Classification: Likely pathogenic for Dilated cardiomyopathy 1G; Autosomal recessive limb-girdle muscular dystrophy type 2J. Last evaluated: 2024-11-04. Review status: criteria provided, single submitter. Criteria: Invitae Variant Classification Sherloc (09022015). Collection method: clinical testing. Allele origin: germline.
Comment: This sequence change affects an acceptor splice site in intron 83 of the TTN gene. It is expected to disrupt RNA splicing and likely results in a truncated or disrupted TTN protein. The frequency data for this variant in the population databases is considered unreliable, as metrics indicate poor data quality at this position in the gnomAD database. This variant has not been reported in the literature in individuals affected with TTN-related conditions. ClinVar contains an entry for this variant (Variation ID: 2090016). Algorithms developed to predict the effect of sequence changes on RNA splicing suggest that this variant may disrupt the consensus splice site. This variant is located in the I band of TTN (PMID: 25589632). Truncating variants in this region have been reported in individuals affected with autosomal recessive centronuclear myopathy (PMID: 23975875, internal data). Truncating variants in this region have also been identified in individuals affected with autosomal dominant dilated cardiomyopathy and/or cardio-related conditions (PMID: 27869827, 32964742, internal data). In summary, the currently available evidence indicates that the variant is pathogenic, but additional data are needed to prove that conclusively. Therefore, this variant has been classified as Likely Pathogenic.

Literature cited by the submitters: PubMed 25589632; PubMed 23975875; PubMed 27869827; PubMed 32964742.

NM_001267550.2(TTN):c.24227-2A>G

Gene: TTN (titin; minus strand). Cytogenetic location: 2q31.2.
Variant type: single nucleotide variant.
Coding change: c.24227-2A>G on transcript NM_001267550.2 (MANE Select); the canonical splice acceptor site of the intron before coding-DNA position 24227, A replaced by G.
Molecular consequence: splice acceptor variant. On other transcripts: intron variant (3).
Genome position (GRCh38, 1-based): chr2:178,718,975, T>C on the plus strand (A>G on the coding strand, the complement: TTN is on the minus strand). VCF-style: chr2-178718975-T-C. GRCh37 (hg19) VCF-style: chr2-179583702-T-C.
Other names: c.13282+19107A>G (NM_003319.4); c.13858+19107A>G (NM_133437.4); c.13657+19107A>G (NM_133432.3); c.20495-2A>G (NM_133378.4); c.23276-2A>G (NM_001256850.1).
Identifiers: ClinVar variation 2090016 (VCV002090016.4), dbSNP rs373060681, ClinGen allele CA2000465.